The following is an entry in ClinVar:

NM_001267550.2(TTN):c.95320A>G (p.Lys31774Glu)

Genes: TTN (titin; minus strand), TTN-AS1 (TTN antisense RNA 1; plus strand). Cytogenetic location: 2q31.2.
Variant type: single nucleotide variant.
Coding change: c.95320A>G on transcript NM_001267550.2 (MANE Select); coding-DNA position 95320, A replaced by G.
Protein change: p.Lys31774Glu; replaces lysine 31774 with glutamic acid.
Molecular consequence: missense variant.
Genome position (GRCh38, 1-based): chr2:178,545,916, T>C on the plus strand (A>G on the coding strand, the complement: TTN is on the minus strand). VCF-style: chr2-178545916-T-C. GRCh37 (hg19) VCF-style: chr2-179410643-T-C.
Other names: p.K30133E:AAG>GAG; p.Lys29206Glu; c.90397A>G, p.Lys30133Glu (NM_001256850.1); c.68125A>G, p.Lys22709Glu (NM_003319.4); c.87616A>G, p.Lys29206Glu (NM_133378.4); c.68500A>G, p.Lys22834Glu (NM_133432.3); c.68701A>G, p.Lys22901Glu (NM_133437.4); short protein forms K29206E, K31774E, K30133E, K22709E, K22834E, K22901E.
Identifiers: ClinVar variation 191845 (VCV000191845.13), dbSNP rs762265902, ClinGen allele CA302411.

ClinVar aggregate classification (germline): Conflicting classifications of pathogenicity. Review status: criteria provided, conflicting classifications (1 of 4 stars). 12 submissions from 8 submitters: Uncertain significance (9); Likely benign (2). 1 of the submissions does not count toward it. Last evaluated 2026-04-13.

Conditions:
TTN-related disorder. Also called: TTN-related condition; TTN-related disease; TTN-related disorders.
Dilated cardiomyopathy 1G (CMD1G). Identifiers: Orphanet 154, MedGen C1858763, MONDO:0011400, OMIM 604145.
Autosomal recessive limb-girdle muscular dystrophy type 2J (LGMDR10). Also called: Limb-girdle muscular dystrophy, type 2J; MUSCULAR DYSTROPHY, LIMB-GIRDLE, AUTOSOMAL RECESSIVE 10. Identifiers: Orphanet 140922, MedGen C1837342, MONDO:0012127, OMIM 608807.
Tibial muscular dystrophy (TMD). Also called: Udd Distal Myopathy – Tibial Muscular Dystrophy; UDD MYOPATHY; Tibial muscular dystrophy, tardive. Identifiers: Orphanet 609, MedGen C1838244, MONDO:0010870, OMIM 600334.
Early-onset myopathy with fatal cardiomyopathy (CMYO5). Also called: CONGENITAL MYOPATHY 5 WITH CARDIOMYOPATHY; Salih Myopathy. Identifiers: Orphanet 289377, MedGen C2673677, MONDO:0012714, OMIM 611705. Disease mechanism: loss of function.
Myopathy, myofibrillar, 9, with early respiratory failure (MFM9). Also called: Hereditary myopathy with early respiratory failure; EDSTROM MYOPATHY; MYOPATHY, PROXIMAL, WITH EARLY RESPIRATORY MUSCLE INVOLVEMENT; Myopathy, distal, with early respiratory failure, autosomal dominant. Identifiers: Orphanet 178464, Orphanet 34521, MedGen C1863599, MONDO:0011362, OMIM 603689.

Allele frequency attached by ClinVar (database versions not stated): ExAC 0.00006; gnomAD exomes 0.00006 and 0.00011; TOPMed 0.00006; gnomAD 0.00007 and 0.00008.
gnomAD v4.1: 174 of 1,613,886 alleles (0.011%); highest among the groups gnomAD compares: Non-Finnish European, 0.014%; no homozygotes.

Submissions (12):

PreventionGenetics, part of Exact Sciences
Classification: Uncertain significance for TTN-related condition. Last evaluated: 2026-04-13. Review status: criteria provided, single submitter. Criteria: ACMG Guidelines, 2015. Collection method: clinical testing. Allele origin: germline.
Comment: The TTN c.95320A>G variant is predicted to result in the amino acid substitution p.Lys31774Glu. To our knowledge, this variant has not been reported in the literature. This variant is reported in 0.011% of alleles in individuals of European (Non-Finnish) descent in gnomAD. Although we suspect that this variant may be benign, at this time, the clinical significance of this variant is uncertain due to the absence of conclusive functional and genetic evidence.

Mayo Clinic Laboratories, Mayo Clinic
Classification: Uncertain significance. Last evaluated: 2024-05-02. Review status: criteria provided, single submitter. Criteria: ACMG Guidelines, 2015. Collection method: clinical testing. Allele origin: germline. Observed: 1 variant allele.

Women's Health and Genetics/Laboratory Corporation of America, LabCorp
Classification: Uncertain significance. Last evaluated: 2022-10-28. Review status: criteria provided, single submitter. Criteria: LabCorp Variant Classification Summary - May 2015. Collection method: clinical testing. Allele origin: germline.
Comment: Variant summary: TTN c.87616A>G (p.Lys29206Glu) results in a conservative amino acid change located in the A-band region, Fibronectin type-III domain of the encoded protein sequence. Two of four in-silico tools predict a benign effect of the variant on protein function. The variant allele was found at a frequency of 5.6e-05 in 248670 control chromosomes (gnomAD), predominantly at a frequency of 0.00012 within the Non-Finnish European subpopulation in the gnomAD database. To our knowledge, no occurrence of c.87616A>G in individuals affected with Limb-Girdle Muscular Dystrophy, Type 2J and no experimental evidence demonstrating its impact on protein function have been reported. Three ClinVar submitters have assessed the variant since 2014: two classified the variant as uncertain significance and one as likely benign. Based on the evidence outlined above, the variant was classified as uncertain significance.

Revvity Omics, Revvity
Classification: Uncertain significance. Last evaluated: 2020-10-07. Review status: criteria provided, single submitter. Criteria: ACMG Guidelines, 2015. Collection method: clinical testing. Allele origin: germline.

Illumina Laboratory Services, Illumina
Classification: Uncertain significance for Autosomal recessive limb-girdle muscular dystrophy type 2J. Last evaluated: 2018-01-13. Review status: criteria provided, single submitter. Criteria: ICSL Variant Classification Criteria 13 December 2019. Collection method: clinical testing. Allele origin: germline.

Illumina Laboratory Services, Illumina
Classification: Likely benign for Myopathy, myofibrillar, 9, with early respiratory failure. Last evaluated: 2018-01-13. Review status: criteria provided, single submitter. Criteria: ICSL Variant Classification Criteria 13 December 2019. Collection method: clinical testing. Allele origin: germline.
Comment: This variant was observed in the ICSL laboratory as part of a predisposition screen in an ostensibly healthy population. It had not been previously curated by ICSL or reported in the Human Gene Mutation Database (HGMD: prior to June 1st, 2018), and was therefore a candidate for classification through an automated scoring system. Utilizing variant allele frequency, disease prevalence and penetrance estimates, and inheritance mode, an automated score was calculated to assess if this variant is too frequent to cause the disease. Based on the score and internal cut-off values, a variant classified as likely benign is not then subjected to further curation. The score for this variant resulted in a classification of likely benign for this disease.

Illumina Laboratory Services, Illumina
Classification: Likely benign for Tibial muscular dystrophy. Last evaluated: 2018-01-13. Review status: criteria provided, single submitter. Criteria: ICSL Variant Classification Criteria 13 December 2019. Collection method: clinical testing. Allele origin: germline.
Comment: the same text as in the submission from Illumina Laboratory Services, Illumina above.

Illumina Laboratory Services, Illumina
Classification: Uncertain significance for Early-onset myopathy with fatal cardiomyopathy. Last evaluated: 2018-01-13. Review status: criteria provided, single submitter. Criteria: ICSL Variant Classification Criteria 13 December 2019. Collection method: clinical testing. Allele origin: germline.

Illumina Laboratory Services, Illumina
Classification: Uncertain significance for Dilated cardiomyopathy 1G. Last evaluated: 2018-01-13. Review status: criteria provided, single submitter. Criteria: ICSL Variant Classification Criteria 13 December 2019. Collection method: clinical testing. Allele origin: germline.

Labcorp Genetics (formerly Invitae), Labcorp
Classification: Uncertain significance for Dilated cardiomyopathy 1G; Autosomal recessive limb-girdle muscular dystrophy type 2J. Last evaluated: 2016-12-20. Review status: criteria provided, single submitter. Criteria: Invitae Variant Classification Sherloc (09022015). Collection method: clinical testing. Allele origin: germline.

Biesecker Lab/Clinical Genomics Section, National Institutes of Health
Classification: Uncertain significance. Last evaluated: 2013-06-24. Review status: criteria provided, single submitter. Criteria: Ng et al. (Circ Cardiovasc Genet. 2013). Collection method: research. Allele origin: unknown. Observed: 1 variant allele. Study: ClinSeq.
Comment: The study set was not selected for affection status in relation to any cancer. Pathogenicity categories were based on literature curation. See Pubmed ID:23861362 for details.

Medical sequencing

GeneDx
No classification provided. Last evaluated: 2014-04-30. Review status: no classification provided. Criteria: GeneDx Variant Classification (06012015). Collection method: clinical testing. Allele origin: germline. Affected: yes. Not counted in ClinVar's aggregate classification.
Comment: Missense variants in the TTN gene are considered 'unclassified' if they are not previously reported in the literature and do not have >1% frequency in the population to be considered a polymorphism. Research indicates that truncating mutations in the TTN gene are expected to account for approximately 25% of familial and 18% of sporadic idiopathic DCM; however, truncating variants in the TTN gene have been reported in approximately 3% of reported control alleles. There has been little investigation into non-truncating variants. (Herman D et al. Truncations of titin causing dilated cardiomyopathy. N Eng J Med 366:619-628, 2012) The variant is found in CARDIOMYOPATHY panel(s).